The following is an entry in ClinVar:

NM_052867.4(NALCN):c.1316G>A (p.Cys439Tyr)

Gene: NALCN (sodium leak channel, non-selective; minus strand). Cytogenetic location: 13q33.1.
Variant type: single nucleotide variant.
Coding change: c.1316G>A on transcript NM_052867.4 (MANE Select); coding-DNA position 1316, G replaced by A.
Protein change: p.Cys439Tyr; replaces cysteine 439 with tyrosine.
Molecular consequence: missense variant.
Genome position (GRCh38, 1-based): chr13:101,237,873, C>T on the plus strand (G>A on the coding strand, the complement: NALCN is on the minus strand). VCF-style: chr13-101237873-C-T. GRCh37 (hg19) VCF-style: chr13-101890224-C-T.
Other names: c.1316G>A, p.Cys439Tyr (NM_001350748.2, NM_001350749.2); c.1229G>A, p.Cys410Tyr (NM_001350750.2, NM_001350751.2); short protein forms C410Y, C439Y.
Identifiers: ClinVar variation 1302595 (VCV001302595.3), dbSNP rs748611267, ClinGen allele CA7036234.

ClinVar aggregate classification (germline): Uncertain significance. Review status: criteria provided, multiple submitters, no conflicts (2 of 4 stars). 2 submissions from 2 submitters: Uncertain significance (2). Last evaluated 2025-07-14.

Conditions:
Inborn genetic diseases. Identifiers: MedGen C0950123, MeSH D030342.

Allele frequency attached by ClinVar (database versions not stated): ExAC 0.00002; gnomAD exomes 0.00002 and 0.00003.
gnomAD v4.1: 37 of 1,604,910 alleles (0.0023%); highest among the groups gnomAD compares: Non-Finnish European, 0.0031%; no homozygotes.

Submissions (2):

Ambry Genetics
Classification: Uncertain significance for Inborn genetic diseases. Last evaluated: 2025-07-14. Review status: criteria provided, single submitter. Criteria: Ambry Variant Classification Scheme 2023. Collection method: clinical testing. Allele origin: germline.

GeneDx
Classification: Uncertain significance. Last evaluated: 2019-05-06. Review status: criteria provided, single submitter. Criteria: GeneDx Variant Classification Process June 2021. Collection method: clinical testing. Allele origin: germline. Affected: yes.
Comment: In silico analysis, which includes protein predictors and evolutionary conservation, supports a deleterious effect; Has not been previously published as pathogenic or benign to our knowledge